The following is an entry in ClinVar:

ClinVar aggregate classification (germline): Uncertain significance (1 of 4 stars; one submission).

gnomAD v4.1: 6 of 1,210,558 alleles (0.0005%); highest among the groups gnomAD compares: Non-Finnish European, 0.00045%; no homozygotes.

Submission:

GeneDx
Classification: Uncertain significance. Last evaluated: 2026-02-03. Review status: criteria provided, single submitter. Criteria: GeneDx Variant Classification Process June 2021. Collection method: clinical testing. Allele origin: germline.
Comment: Not observed at significant frequency in large population cohorts (gnomAD); In silico analysis suggests that this missense variant does not alter protein structure/function; Has not been previously published as pathogenic or benign to our knowledge

NM_001330574.2(ZNF711):c.565G>A (p.Glu189Lys)

Gene: ZNF711 (ZFX family zinc finger ZNF711; plus strand). Cytogenetic location: Xq21.1.
Variant type: single nucleotide variant.
Coding change: c.565G>A on transcript NM_001330574.2 (MANE Select); coding-DNA position 565, G replaced by A.
Protein change: p.Glu189Lys; replaces glutamic acid 189 with lysine.
Molecular consequence: missense variant.
Genome position (GRCh38, 1-based): chrX:85,255,744, G>A. VCF-style: chrX-85255744-G-A. GRCh37 (hg19) VCF-style: chrX-84510750-G-A.
Other names: c.565G>A, p.Glu189Lys (NM_001375431.1, NM_001375432.1, NM_001375433.1 and 5 more transcripts); short protein forms E189K.
Identifiers: ClinVar variation 4976179 (VCV004976179.1).